The following is an entry in ClinVar:

NM_007294.4(BRCA1):c.91A>C (p.Ile31Leu)

Gene: BRCA1 (BRCA1 DNA repair associated; minus strand). Cytogenetic location: 17q21.31.
Variant type: single nucleotide variant.
Coding change: c.91A>C on transcript NM_007294.4 (MANE Select); coding-DNA position 91, A replaced by C.
Protein change: p.Ile31Leu; replaces isoleucine 31 with leucine.
Molecular consequence: missense variant. On other transcripts: non-coding transcript variant (1), intron variant (1).
Genome position (GRCh38, 1-based): chr17:43,115,769, T>G on the plus strand (A>C on the coding strand, the complement: BRCA1 is on the minus strand). VCF-style: chr17-43115769-T-G. GRCh37 (hg19) VCF-style: chr17-41267786-T-G.
Other names: c.-98A>C (NM_001407958.1, NM_001408478.1, NM_001408479.1 and 52 more transcripts); c.-213A>C (NM_001407960.1, NM_001407962.1, NM_001408510.1 and 1 more transcripts); c.-51A>C (NM_001407964.1, NM_001408410.1, NM_001408463.1 and 47 more transcripts); c.-329A>C (NM_001407965.1); c.91A>C, p.Ile31Leu (NM_001407968.1, NM_001407969.1, NM_001407970.1 and 192 more transcripts); c.-171A>C (NM_001408465.1, NM_001407695.1); c.-167A>C (NM_001408468.1, NM_001408501.1, NM_001407694.1 and 13 more transcripts); c.-214A>C (NM_001408492.1, NM_001407889.1, NM_001407900.1); and 2 more; short protein forms I31L.
Identifiers: ClinVar variation 867474 (VCV000867474.3), dbSNP rs1597912041, ClinGen allele CA10601973.
Genomic context (GRCh38, chr17:43,115,769, plus strand): 5'-AACACATTCAAACTTACTTGCAAAATATGTGGTCACACTTTGTGGAGACAGGTTCCTTGA[T>G]CAACTCCAGACTAGCAGGGTAGGGGGGGAGAAAAAGAAAATAAATGAGGCTCAATAATTT-3'
Protein context (NP_009225.1, residues 21-41): ILECPICLEL[Ile31Leu]KEPVSTKCDH

Conditions:
Breast-ovarian cancer, familial, susceptibility to, 1 (BROVCA1). Also called: BRCA1 Hereditary Breast and Ovarian Cancer; OVARIAN CANCER, SUSCEPTIBILITY TO. Identifiers: Orphanet 145, MedGen C2676676, MONDO:0011450, OMIM 604370. Disease mechanism: loss of function.

Submission:

Brotman Baty Institute, University of Washington
No classification provided (evidence only). Condition: Breast-ovarian cancer, familial 1. Review status: no classification provided. Collection method: in vitro. Allele origin: not applicable. Functional consequence: functionally_normal.
ClinVar note: "not provided" was previously submitted as the classification for the variant. However, the classification appeared to be based only on an observation of functional data so it was converted to no classification on 2025-07-30.